The following is an entry in ClinVar:

ClinVar aggregate classification (germline): Uncertain significance (1 of 4 stars; one submission).

Conditions:
Neuropathy, hereditary sensory and autonomic, type 2A (HSAN2A). Also called: MORVAN DISEASE; NEUROPATHY, CONGENITAL SENSORY; NEUROPATHY, HEREDITARY SENSORY RADICULAR, AUTOSOMAL RECESSIVE; NEUROPATHY, HEREDITARY SENSORY, TYPE IIA; NEUROPATHY, PROGRESSIVE SENSORY, OF CHILDREN; ACROOSTEOLYSIS, GIACCAI TYPE. Identifiers: Orphanet 970, MedGen C2752089, MONDO:0024309, OMIM 201300.
Generalized epilepsy with febrile seizures plus, type 7 (GEFSP7). Also called: GEFS+, TYPE 7. Identifiers: Orphanet 36387, MedGen C2751778, MONDO:0013470, OMIM 613863.

Allele frequency attached by ClinVar (database versions not stated): TOPMed below 0.00001; ExAC 0.00002; ESP Exome Variant Server 0.00008.
gnomAD v4.1: 1 of 1,613,676 alleles (0.000062%); highest among the groups gnomAD compares: African/African-American, 0.0013%; no homozygotes.

Submission:

Labcorp Genetics (formerly Invitae), Labcorp
Classification: Uncertain significance for Neuropathy, hereditary sensory and autonomic, type 2A; Generalized epilepsy with febrile seizures plus, type 7. Last evaluated: 2023-11-21. Review status: criteria provided, single submitter. Criteria: Invitae Variant Classification Sherloc (09022015). Collection method: clinical testing. Allele origin: germline.
Comment: This sequence change replaces threonine, which is neutral and polar, with lysine, which is basic and polar, at codon 1590 of the SCN9A protein (p.Thr1590Lys). This variant is present in population databases (rs371341018, gnomAD 0.007%). This variant has not been reported in the literature in individuals affected with SCN9A-related conditions. Advanced modeling of protein sequence and biophysical properties (such as structural, functional, and spatial information, amino acid conservation, physicochemical variation, residue mobility, and thermodynamic stability) performed at Invitae indicates that this missense variant is not expected to disrupt SCN9A protein function with a negative predictive value of 95%. In summary, the available evidence is currently insufficient to determine the role of this variant in disease. Therefore, it has been classified as a Variant of Uncertain Significance.

NM_001365536.1(SCN9A):c.4802C>A (p.Thr1601Lys)

Genes: SCN1A-AS1 (SCN1A and SCN9A antisense RNA 1; plus strand), SCN9A (sodium voltage-gated channel alpha subunit 9; minus strand). Cytogenetic location: 2q24.3.
Variant type: single nucleotide variant.
Coding change: c.4802C>A on transcript NM_001365536.1 (MANE Select); coding-DNA position 4802, C replaced by A.
Protein change: p.Thr1601Lys; replaces threonine 1601 with lysine.
Molecular consequence: missense variant.
Genome position (GRCh38, 1-based): chr2:166,199,837, G>T on the plus strand (C>A on the coding strand, the complement: SCN9A is on the minus strand). VCF-style: chr2-166199837-G-T. GRCh37 (hg19) VCF-style: chr2-167056347-G-T.
Other names: c.4769C>A, p.Thr1590Lys (NM_002977.4); short protein forms T1590K, T1601K.
Identifiers: ClinVar variation 2935151 (VCV002935151.3), dbSNP rs371341018, ClinGen allele CA1943774.